The following is an entry in ClinVar:

ClinVar aggregate classification (germline): Uncertain significance. Review status: criteria provided, multiple submitters, no conflicts (2 of 4 stars). 2 submissions from 2 submitters: Uncertain significance (2). Last evaluated 2023-09-18.

Conditions:
Hereditary cancer-predisposing syndrome. Also called: Neoplastic Syndromes, Hereditary; Tumor predisposition; Hereditary Cancer Syndrome; Hereditary neoplastic syndrome. Identifiers: Orphanet 140162, MedGen C0027672, MeSH D009386, MONDO:0015356.
Hereditary nonpolyposis colorectal neoplasms. Identifiers: MedGen C0009405, MeSH D003123.

Submissions (2):

Labcorp Genetics (formerly Invitae), Labcorp
Classification: Uncertain significance for Hereditary nonpolyposis colorectal neoplasms. Last evaluated: 2023-09-18. Review status: criteria provided, single submitter. Criteria: Invitae Variant Classification Sherloc (09022015). Collection method: clinical testing. Allele origin: germline.
Comment: In summary, the available evidence is currently insufficient to determine the role of this variant in disease. Therefore, it has been classified as a Variant of Uncertain Significance. Advanced modeling of protein sequence and biophysical properties (such as structural, functional, and spatial information, amino acid conservation, physicochemical variation, residue mobility, and thermodynamic stability) performed at Invitae indicates that this missense variant is not expected to disrupt MSH6 protein function. This sequence change replaces leucine, which is neutral and non-polar, with isoleucine, which is neutral and non-polar, at codon 1177 of the MSH6 protein (p.Leu1177Ile). This variant is not present in population databases (gnomAD no frequency). This variant has not been reported in the literature in individuals affected with MSH6-related conditions. ClinVar contains an entry for this variant (Variation ID: 925470).

Color Diagnostics, LLC DBA Color Health
Classification: Uncertain significance for Hereditary cancer-predisposing syndrome. Last evaluated: 2018-11-28. Review status: criteria provided, single submitter. Criteria: ACMG Guidelines, 2015. Collection method: clinical testing. Allele origin: germline.

NM_000179.3(MSH6):c.3529C>A (p.Leu1177Ile)

Gene: MSH6 (mutS homolog 6; plus strand). Cytogenetic location: 2p16.3.
Variant type: single nucleotide variant.
Coding change: c.3529C>A on transcript NM_000179.3 (MANE Select); coding-DNA position 3529, C replaced by A.
Protein change: p.Leu1177Ile; replaces leucine 1177 with isoleucine.
Molecular consequence: missense variant.
Genome position (GRCh38, 1-based): chr2:47,805,000, C>A. VCF-style: chr2-47805000-C-A. GRCh37 (hg19) VCF-style: chr2-48032139-C-A.
Other names: c.3139C>A, p.Leu1047Ile (NM_001281492.2); c.2623C>A, p.Leu875Ile (NM_001281493.2, NM_001281494.2); short protein forms L1047I, L875I, L1177I.
Identifiers: ClinVar variation 925470 (VCV000925470.5), dbSNP rs748398941, ClinGen allele CA346760226.
Genomic context (GRCh38, chr2:47,805,000, plus strand): 5'-GGTTGTTACGTCCCTGCTGAAGTGTGCAGGCTCACACCAATTGATAGAGTGTTTACTAGA[C>A]TTGGTGCCTCAGACAGAATAATGTCAGGTGAGTTTTTTGTTTCCCACTTAAGTTCTCATT-3'
Protein context (NP_000170.1, residues 1167-1187): LTPIDRVFTR[Leu1177Ile]GASDRIMSGE